The following is an entry in ClinVar:

ClinVar aggregate classification (germline): Uncertain significance (1 of 4 stars; one submission).

Conditions:
Early-infantile DEE. Also called: Early infantile epileptic encephalopathy; Early infantile epileptic encephalopathy with suppression bursts; Ohtahara syndrome. Identifiers: Orphanet 1934, MedGen C0393706, MONDO:0800491.

Submission:

Labcorp Genetics (formerly Invitae), Labcorp
Classification: Uncertain significance for Early-infantile DEE. Last evaluated: 2022-06-27. Review status: criteria provided, single submitter. Criteria: Invitae Variant Classification Sherloc (09022015). Collection method: clinical testing. Allele origin: germline.
Comment: In summary, the available evidence is currently insufficient to determine the role of this variant in disease. Therefore, it has been classified as a Variant of Uncertain Significance. Algorithms developed to predict the effect of missense changes on protein structure and function are either unavailable or do not agree on the potential impact of this missense change (SIFT: "Deleterious"; PolyPhen-2: "Probably Damaging"; Align-GVGD: "Class C0"). This variant has not been reported in the literature in individuals affected with SCN8A-related conditions. This variant is not present in population databases (gnomAD no frequency). This sequence change replaces isoleucine, which is neutral and non-polar, with threonine, which is neutral and polar, at codon 1606 of the SCN8A protein (p.Ile1606Thr).

NM_001330260.2(SCN8A):c.4817T>C (p.Ile1606Thr)

Gene: SCN8A (sodium voltage-gated channel alpha subunit 8; plus strand). Cytogenetic location: 12q13.13.
Variant type: single nucleotide variant.
Coding change: c.4817T>C on transcript NM_001330260.2 (MANE Select); coding-DNA position 4817, T replaced by C.
Protein change: p.Ile1606Thr; replaces isoleucine 1606 with threonine.
Molecular consequence: missense variant.
Genome position (GRCh38, 1-based): chr12:51,806,303, T>C. VCF-style: chr12-51806303-T-C. GRCh37 (hg19) VCF-style: chr12-52200087-T-C.
Other names: c.4694T>C, p.Ile1565Thr (NM_001177984.3, NM_001369788.1); c.4817T>C, p.Ile1606Thr (NM_014191.4); short protein forms I1606T, I1565T.
Identifiers: ClinVar variation 1347532 (VCV001347532.9), dbSNP rs2138942215, ClinGen allele CA384880302.